The following is an entry in ClinVar:

ClinVar aggregate classification (germline): Conflicting classifications of pathogenicity. Review status: criteria provided, conflicting classifications (1 of 4 stars). 2 submissions from 2 submitters: Uncertain significance (1); Likely benign (1). Last evaluated 2026-01-05.

Allele frequency attached by ClinVar (database versions not stated): TOPMed 0.00001; ExAC 0.00003.
gnomAD v4.1: 29 of 1,609,822 alleles (0.0018%); highest among the groups gnomAD compares: East Asian, 0.0045%; no homozygotes.

Submissions (2):

Women's Health and Genetics/Laboratory Corporation of America, LabCorp
Classification: Likely benign. Last evaluated: 2026-01-05. Review status: criteria provided, single submitter. Criteria: LabCorp Variant Classification Summary - May 2015. Collection method: clinical testing. Allele origin: germline.
Comment: Variant summary: MYH14 c.5179C>T (p.Arg1727Trp) results in a non-conservative amino acid change in the encoded protein sequence. Algorithms developed to predict the effect of missense changes on protein structure and function all suggest that this variant is likely to be disruptive. The variant allele was found at a frequency of 1.8e-05 in 1609822 control chromosomes. The observed variant frequency exceeds the estimated maximal expected allele frequency for disease-causing variants in MYH14. To our knowledge, no occurrence of c.5179C>T in individuals affected with MYH14-related conditions and no experimental evidence demonstrating its impact on protein function have been reported. ClinVar contains an entry for this variant (Variation ID: 808627). Based on the evidence outlined above, the variant was classified as likely benign.

CeGaT Center for Human Genetics Tuebingen
Classification: Uncertain significance. Last evaluated: 2016-06-01. Review status: criteria provided, single submitter. Criteria: CeGaT Center For Human Genetics Tuebingen Variant Classification Criteria Version 2. Collection method: clinical testing. Allele origin: germline. Affected: yes. Observed: 1 variant allele.

NM_001145809.2(MYH14):c.5302C>T (p.Arg1768Trp)

Gene: MYH14 (myosin heavy chain 14; plus strand). Cytogenetic location: 19q13.33.
Variant type: single nucleotide variant.
Coding change: c.5302C>T on transcript NM_001145809.2 (MANE Select); coding-DNA position 5302, C replaced by T.
Protein change: p.Arg1768Trp; replaces arginine 1768 with tryptophan.
Molecular consequence: missense variant.
Genome position (GRCh38, 1-based): chr19:50,293,278, C>T. VCF-style: chr19-50293278-C-T. GRCh37 (hg19) VCF-style: chr19-50796535-C-T.
Other names: c.5203C>T, p.Arg1735Trp (NM_001077186.2); c.5179C>T, p.Arg1727Trp (NM_024729.4); short protein forms R1727W, R1735W, R1768W.
Identifiers: ClinVar variation 808627 (VCV000808627.43), dbSNP rs766866459, ClinGen allele CA9593751.
Genomic context (GRCh38, chr19:50,293,278, plus strand): 5'-CCTCCATCATCACAGGAACTGGCCGCCTCGGACCGTGCTCGGCGGCAGGCCCAGCAGGAC[C>T]GGGATGAGATGGCAGATGAGGTGGCCAATGGTAACCTTAGCAAGTAAGTGCCCCAAGGGT-3'
Protein context (NP_001139281.1, residues 1758-1778): DRARRQAQQD[Arg1768Trp]DEMADEVANG